The following is an entry in ClinVar:

NM_198859.4(PRICKLE2):c.1949C>A (p.Ala650Glu)

Genes: PRICKLE2 (prickle planar cell polarity protein 2; minus strand), PRICKLE2-AS1 (PRICKLE2 antisense RNA 1; plus strand). Cytogenetic location: 3p14.1.
Variant type: single nucleotide variant.
Coding change: c.1949C>A on transcript NM_198859.4 (MANE Select); coding-DNA position 1949, C replaced by A.
Protein change: p.Ala650Glu; replaces alanine 650 with glutamic acid.
Molecular consequence: missense variant. On other transcripts: non-coding transcript variant (1).
Genome position (GRCh38, 1-based): chr3:64,099,637, G>T on the plus strand (C>A on the coding strand, the complement: PRICKLE2 is on the minus strand). VCF-style: chr3-64099637-G-T. GRCh37 (hg19) VCF-style: chr3-64085313-G-T.
Other names: c.1949C>A, p.Ala650Glu (NM_001370528.1); short protein forms A650E.
Identifiers: ClinVar variation 3632718 (VCV003632718.2).

ClinVar aggregate classification (germline): Uncertain significance (1 of 4 stars; one submission).

Conditions:
Progressive myoclonic epilepsy type 5. Identifiers: Orphanet 402082, MedGen C5190799.

gnomAD v4.1: 1 of 1,613,912 alleles (0.000062%); highest among the groups gnomAD compares: Non-Finnish European, 0.000085%; no homozygotes.

Submission:

Labcorp Genetics (formerly Invitae), Labcorp
Classification: Uncertain significance for Progressive myoclonic epilepsy type 5. Last evaluated: 2024-09-30. Review status: criteria provided, single submitter. Criteria: Invitae Variant Classification Sherloc (09022015). Collection method: clinical testing. Allele origin: germline.
Comment: This sequence change replaces alanine, which is neutral and non-polar, with glutamic acid, which is acidic and polar, at codon 650 of the PRICKLE2 protein (p.Ala650Glu). This variant is present in population databases (rs747788121, gnomAD 0.0009%). This variant has not been reported in the literature in individuals affected with PRICKLE2-related conditions. An algorithm developed to predict the effect of missense changes on protein structure and function (PolyPhen-2) suggests that this variant is likely to be tolerated. In summary, the available evidence is currently insufficient to determine the role of this variant in disease. Therefore, it has been classified as a Variant of Uncertain Significance.